The following is an entry in ClinVar:

NM_001365951.3(KIF1B):c.3620A>T (p.Gln1207Leu)

Gene: KIF1B (kinesin family member 1B; plus strand). Cytogenetic location: 1p36.22.
Variant type: single nucleotide variant.
Coding change: c.3620A>T on transcript NM_001365951.3 (MANE Select); coding-DNA position 3620, A replaced by T.
Protein change: p.Gln1207Leu; replaces glutamine 1207 with leucine.
Molecular consequence: missense variant.
Genome position (GRCh38, 1-based): chr1:10,342,156, A>T. VCF-style: chr1-10342156-A-T. GRCh37 (hg19) VCF-style: chr1-10402214-A-T.
Other names: c.3620A>T, p.Gln1207Leu (NM_001365952.1); c.3482A>T, p.Gln1161Leu (NM_015074.3); short protein forms Q1161L, Q1207L.
Identifiers: ClinVar variation 3288366 (VCV003288366.1).

ClinVar aggregate classification (germline): Uncertain significance (1 of 4 stars; one submission).

Submission:

Ambry Genetics
Classification: Uncertain significance. Last evaluated: 2024-03-18. Review status: criteria provided, single submitter. Criteria: Ambry Variant Classification Scheme 2023. Collection method: clinical testing. Allele origin: germline.
Comment: The p.Q1161L variant (also known as c.3482A>T), located in coding exon 30 of the KIF1B gene, results from an A to T substitution at nucleotide position 3482. The glutamine at codon 1161 is replaced by leucine, an amino acid with dissimilar properties. This amino acid position is conserved. In addition, the in silico prediction for this alteration is inconclusive. Based on the available evidence, the clinical significance of this alteration remains unclear.